The following is an entry in ClinVar:

NM_001371928.1(AHDC1):c.3635C>T (p.Ser1212Leu)

Gene: AHDC1 (AT-hook DNA binding motif containing 1; minus strand). Cytogenetic location: 1p36.11.
Variant type: single nucleotide variant.
Coding change: c.3635C>T on transcript NM_001371928.1 (MANE Select); coding-DNA position 3635, C replaced by T.
Protein change: p.Ser1212Leu; replaces serine 1212 with leucine.
Molecular consequence: missense variant.
Genome position (GRCh38, 1-based): chr1:27,548,481, G>A on the plus strand (C>T on the coding strand, the complement: AHDC1 is on the minus strand). VCF-style: chr1-27548481-G-A. GRCh37 (hg19) VCF-style: chr1-27874992-G-A.
Other names: c.3635C>T, p.Ser1212Leu (NM_001029882.3); short protein forms S1212L.
Identifiers: ClinVar variation 1313881 (VCV001313881.2), dbSNP rs1342442871, ClinGen allele CA339225684.

ClinVar aggregate classification (germline): Uncertain significance (1 of 4 stars; one submission).

Allele frequency attached by ClinVar (database versions not stated): TOPMed below 0.00001.

Submission:

GeneDx
Classification: Uncertain significance. Last evaluated: 2021-01-08. Review status: criteria provided, single submitter. Criteria: GeneDx Variant Classification Process June 2021. Collection method: clinical testing. Allele origin: germline. Affected: yes.
Comment: Not observed in large population cohorts (Lek et al., 2016); In silico analysis supports that this missense variant does not alter protein structure/function; Has not been previously published as pathogenic or benign to our knowledge